The following is an entry in ClinVar:

ClinVar aggregate classification (germline): Benign (0 of 4 stars; one submission).

Conditions:
CLMN-related disorder. Also called: CLMN-related condition.

Allele frequency attached by ClinVar (database versions not stated): gnomAD exomes 0.04642; ESP Exome Variant Server 0.05321; gnomAD 0.07955; TOPMed 0.09227; ExAC 0.10212; 1000 Genomes Project 30x 0.19300; 1000 Genomes Project 0.19728.
gnomAD v4.1: 79,638 of 1,586,874 alleles (5%); highest among the groups gnomAD compares: East Asian, 48%; 8,564 homozygotes.

Submission:

PreventionGenetics, part of Exact Sciences
Classification: Benign for CLMN-related condition. Last evaluated: 2019-12-06. Review status: no assertion criteria provided. Collection method: clinical testing. Allele origin: germline.
Comment: This variant is classified as benign based on ACMG/AMP sequence variant interpretation guidelines (Richards et al. 2015 PMID: 25741868, with internal and published modifications).

NM_024734.4(CLMN):c.15G>A (p.Glu5=)

Genes: CLMN (calmin; minus strand), LOC130056366 (ATAC-STARR-seq lymphoblastoid silent region 6045; plus strand). Cytogenetic location: 14q32.13.
Variant type: single nucleotide variant.
Coding change: c.15G>A on transcript NM_024734.4 (MANE Select); coding-DNA position 15, G replaced by A.
Protein change: p.Glu5=; no amino-acid change (glutamic acid 5 retained).
Molecular consequence: synonymous variant.
Genome position (GRCh38, 1-based): chr14:95,319,778, C>T on the plus strand (G>A on the coding strand, the complement: CLMN is on the minus strand). VCF-style: chr14-95319778-C-T. GRCh37 (hg19) VCF-style: chr14-95786115-C-T.
Identifiers: ClinVar variation 3060268 (VCV003060268.2), dbSNP rs80288032, ClinGen allele CA7332637.